The following is an entry in ClinVar:

NM_001039213.4(CEACAM16):c.941-14C>T

Genes: CEACAM16 (CEA cell adhesion molecule 16, tectorial membrane component; plus strand), CEACAM16-AS1 (CEACAM16, CEACAM19 and PVR antisense RNA 1; minus strand). Cytogenetic location: 19q13.32.
Variant type: single nucleotide variant.
Coding change: c.941-14C>T on transcript NM_001039213.4 (MANE Select); 14 bases into the intron before coding-DNA position 941, C replaced by T.
Molecular consequence: intron variant.
Genome position (GRCh38, 1-based): chr19:44,707,847, C>T. VCF-style: chr19-44707847-C-T. GRCh37 (hg19) VCF-style: chr19-45211119-C-T.
Identifiers: ClinVar variation 226510 (VCV000226510.16), dbSNP rs10426475, ClinGen allele CA9503189.
Genomic context (GRCh38, chr19:44,707,847, plus strand): 5'-CCAGCAAGGGTTGGGAAGGGGACACCATGCCAGATGCAGACCAAACTGACCCAGCCCGCT[C>T]GCTCTCTCCCCAGCTGCAGCAGTTGCCACGATGATCGTGCCCGTGCCCACCAAGCCAACG-3'

ClinVar aggregate classification (germline): Benign. Review status: criteria provided, multiple submitters, no conflicts (2 of 4 stars). 5 submissions from 5 submitters: Benign (5). Last evaluated 2026-01-30.

Allele frequency attached by ClinVar (database versions not stated): ExAC 0.11382; ESP Exome Variant Server 0.04659; gnomAD 0.05915 and 0.05970; gnomAD exomes 0.06361; TOPMed 0.06804; 1000 Genomes Project 30x 0.07542; 1000 Genomes Project 0.07608.
gnomAD v4.1: 63,380 of 1,514,672 alleles (4.2%); highest among the groups gnomAD compares: Admixed American, 16%; 2,023 homozygotes.

Submissions (5):

Labcorp Genetics (formerly Invitae), Labcorp
Classification: Benign. Last evaluated: 2026-01-30. Review status: criteria provided, single submitter. Criteria: Invitae Variant Classification Sherloc (09022015). Collection method: clinical testing. Allele origin: germline.

GeneDx
Classification: Benign. Last evaluated: 2018-07-01. Review status: criteria provided, single submitter. Criteria: GeneDx Variant Classification Process June 2021. Collection method: clinical testing. Allele origin: germline. Affected: yes.

Laboratory for Molecular Medicine, Mass General Brigham Personalized Medicine
Classification: Benign. Last evaluated: 2014-11-24. Review status: criteria provided, single submitter. Criteria: LMM Criteria. Collection method: clinical testing. Allele origin: germline. Observed: 99 variant alleles.
Comment: 941-14C>T in intron 5 of CEACAM16: This variant is not expected to have clinical significance because it has been identified in 8.2% (354/4340) of African Ameri can chromosomes from a broad population by the NHLBI Exome Sequencing Project (dbSNP rs10426475).

Breakthrough Genomics
Classification: Benign. Review status: criteria provided, single submitter. Criteria: ACMG Guidelines, 2015. Collection method: not provided. Allele origin: germline. Inheritance: Autosomal recessive inheritance. Affected: yes.

PreventionGenetics, part of Exact Sciences
Classification: Benign. Review status: criteria provided, single submitter. Criteria: ACMG Guidelines, 2015. Collection method: clinical testing. Allele origin: germline.